The following is an entry in ClinVar:

ClinVar aggregate classification (germline): Uncertain significance (1 of 4 stars; one submission).

Conditions:
Primary ciliary dyskinesia. Also called: Ciliary dyskinesia. Identifiers: Orphanet 244, MedGen C0008780, MONDO:0016575, HP:0012265.

Submission:

Labcorp Genetics (formerly Invitae), Labcorp
Classification: Uncertain significance for Primary ciliary dyskinesia. Last evaluated: 2023-10-16. Review status: criteria provided, single submitter. Criteria: Invitae Variant Classification Sherloc (09022015). Collection method: clinical testing. Allele origin: germline.
Comment: This sequence change replaces alanine, which is neutral and non-polar, with aspartic acid, which is acidic and polar, at codon 3537 of the DNAH8 protein (p.Ala3537Asp). This variant is not present in population databases (gnomAD no frequency). This variant has not been reported in the literature in individuals affected with DNAH8-related conditions. Advanced modeling of protein sequence and biophysical properties (such as structural, functional, and spatial information, amino acid conservation, physicochemical variation, residue mobility, and thermodynamic stability) performed at Invitae indicates that this missense variant is not expected to disrupt DNAH8 protein function. In summary, the available evidence is currently insufficient to determine the role of this variant in disease. Therefore, it has been classified as a Variant of Uncertain Significance.

NM_001206927.2(DNAH8):c.10610C>A (p.Ala3537Asp)

Genes: DNAH8 (dynein axonemal heavy chain 8; plus strand), DNAH8-AS1 (DNAH8 antisense RNA 1; minus strand). Cytogenetic location: 6p21.2.
Variant type: single nucleotide variant.
Coding change: c.10610C>A on transcript NM_001206927.2 (MANE Select); coding-DNA position 10610, C replaced by A.
Protein change: p.Ala3537Asp; replaces alanine 3537 with aspartic acid.
Molecular consequence: missense variant.
Genome position (GRCh38, 1-based): chr6:38,921,454, C>A. VCF-style: chr6-38921454-C-A. GRCh37 (hg19) VCF-style: chr6-38889230-C-A.
Other names: c.9959C>A, p.Ala3320Asp (NM_001371.4); short protein forms A3320D, A3537D.
Identifiers: ClinVar variation 3020972 (VCV003020972.1), dbSNP rs2533477863, ClinGen allele CA364010820.